The following is an entry in ClinVar:

ClinVar aggregate classification (germline): Uncertain significance (1 of 4 stars; one submission).

Submission:

GeneDx
Classification: Uncertain significance. Last evaluated: 2025-02-25. Review status: criteria provided, single submitter. Criteria: GeneDx Variant Classification Process June 2021. Collection method: clinical testing. Allele origin: germline. Affected: yes.
Comment: Not observed at significant frequency in large population cohorts (gnomAD); In silico analysis indicates that this missense variant does not alter protein structure/function; Has not been previously published as pathogenic or benign to our knowledge

NM_001378418.1(TCF20):c.3512C>G (p.Pro1171Arg)

Gene: TCF20 (transcription factor 20; minus strand). Cytogenetic location: 22q13.2.
Variant type: single nucleotide variant.
Coding change: c.3512C>G on transcript NM_001378418.1 (MANE Select); coding-DNA position 3512, C replaced by G.
Protein change: p.Pro1171Arg; replaces proline 1171 with arginine.
Molecular consequence: missense variant.
Genome position (GRCh38, 1-based): chr22:42,211,794, G>C on the plus strand (C>G on the coding strand, the complement: TCF20 is on the minus strand). VCF-style: chr22-42211794-G-C. GRCh37 (hg19) VCF-style: chr22-42607800-G-C.
Other names: c.3512C>G, p.Pro1171Arg (NM_005650.4, NM_181492.3); short protein forms P1171R.
Identifiers: ClinVar variation 4076907 (VCV004076907.1).